The following is an entry in ClinVar:

ClinVar aggregate classification (germline): Uncertain significance. Review status: criteria provided, multiple submitters, no conflicts (2 of 4 stars). 2 submissions from 2 submitters: Uncertain significance (2). Last evaluated 2025-08-23.

Conditions:
Inborn genetic diseases. Identifiers: MedGen C0950123, MeSH D030342.

Allele frequency attached by ClinVar (database versions not stated): gnomAD exomes below 0.00001.
gnomAD v4.1: 1 of 1,613,676 alleles (0.000062%); highest among the groups gnomAD compares: Non-Finnish European, 0.000085%; no homozygotes.

Submissions (2):

Ambry Genetics
Classification: Uncertain significance for Inborn genetic diseases. Last evaluated: 2025-08-23. Review status: criteria provided, single submitter. Criteria: Ambry Variant Classification Scheme 2023. Collection method: clinical testing. Allele origin: germline.

GeneDx
Classification: Uncertain significance. Last evaluated: 2020-03-12. Review status: criteria provided, single submitter. Criteria: GeneDx Variant Classification Process June 2021. Collection method: clinical testing. Allele origin: germline. Affected: yes.
Comment: In silico analysis supports that this missense variant has a deleterious effect on protein structure/function; Has not been previously published as pathogenic or benign to our knowledge

NM_004171.4(SLC1A2):c.968G>T (p.Gly323Val)

Gene: SLC1A2 (solute carrier family 1 member 2; minus strand). Cytogenetic location: 11p13.
Variant type: single nucleotide variant.
Coding change: c.968G>T on transcript NM_004171.4 (MANE Select); coding-DNA position 968, G replaced by T.
Protein change: p.Gly323Val; replaces glycine 323 with valine.
Molecular consequence: missense variant.
Genome position (GRCh38, 1-based): chr11:35,292,410, C>A on the plus strand (G>T on the coding strand, the complement: SLC1A2 is on the minus strand). VCF-style: chr11-35292410-C-A. GRCh37 (hg19) VCF-style: chr11-35313957-C-A.
Other names: c.941G>T, p.Gly314Val (NM_001195728.3, NM_001252652.2); short protein forms G314V, G323V.
Identifiers: ClinVar variation 1307320 (VCV001307320.3), dbSNP rs1399573077, ClinGen allele CA380124909.
Genomic context (GRCh38, chr11:35,292,410, plus strand): 5'-TTTTTCCTGGTCACTACAAAGTAAATCAAGGGGAGAAAGATGCCCCCGTGGATGATGAGG[C>A]CTATGATCACTGTTACCATGTACATCCCCAGTTGCCTAGCAACCACTTCTAAGTCCTTGA-3'
Protein context (NP_004162.2, residues 313-333): LGMYMVTVII[Gly323Val]LIIHGGIFLP